The following is an entry in ClinVar:

ClinVar aggregate classification (germline): Likely benign. Review status: criteria provided, multiple submitters, no conflicts (2 of 4 stars). 2 submissions from 2 submitters: Likely benign (2). Last evaluated 2025-10-03.

Allele frequency attached by ClinVar (database versions not stated): ESP Exome Variant Server 0.00038; 1000 Genomes Project 30x 0.00047; 1000 Genomes Project 0.00060.
gnomAD v4.1: 147 of 1,614,090 alleles (0.0091%); highest among the groups gnomAD compares: African/African-American, 0.087%; no homozygotes.

Submissions (2):

Labcorp Genetics (formerly Invitae), Labcorp
Classification: Likely benign. Last evaluated: 2025-10-03. Review status: criteria provided, single submitter. Criteria: Invitae Variant Classification Sherloc (09022015). Collection method: clinical testing. Allele origin: germline.

CeGaT Center for Human Genetics Tuebingen
Classification: Likely benign. Last evaluated: 2025-09-01. Review status: criteria provided, single submitter. Criteria: CeGaT Center For Human Genetics Tuebingen Variant Classification Criteria Version 2. Collection method: clinical testing. Allele origin: germline. Affected: yes. Observed: 1 variant allele.
Comment: KANK1: BP4, BP7

NM_015158.5(KANK1):c.3723G>A (p.Ala1241=)

Gene: KANK1 (KN motif and ankyrin repeat domains 1; plus strand). Cytogenetic location: 9p24.3.
Variant type: single nucleotide variant.
Coding change: c.3723G>A on transcript NM_015158.5 (MANE Select); coding-DNA position 3723, G replaced by A.
Protein change: p.Ala1241=; no amino-acid change (alanine 1241 retained).
Molecular consequence: synonymous variant. On other transcripts: non-coding transcript variant (1).
Genome position (GRCh38, 1-based): chr9:742,231, G>A. VCF-style: chr9-742231-G-A. GRCh37 (hg19) VCF-style: chr9-742231-G-A.
Other names: c.3723G>A, p.Ala1241= (NM_001256876.3, NM_001256877.3, NM_001354334.2); c.3483G>A, p.Ala1161= (NM_001354331.2); c.3669G>A, p.Ala1223= (NM_001354332.2); c.3249G>A, p.Ala1083= (NM_001354333.2, NM_001354335.2, NM_001354337.2 and 2 more transcripts); c.2955G>A, p.Ala985= (NM_001354336.2); c.3195G>A, p.Ala1065= (NM_001354338.2, NM_001354340.2, NM_001354344.2); c.3009G>A, p.Ala1003= (NM_001354339.2, NM_001354342.2, NM_001354343.2).
Identifiers: ClinVar variation 2708085 (VCV002708085.10), dbSNP rs376387512, ClinGen allele CA4961147.